The following is an entry in ClinVar:

NM_000548.5(TSC2):c.2416G>A (p.Val806Met)

Gene: TSC2 (TSC complex subunit 2; plus strand). Cytogenetic location: 16p13.3.
Variant type: single nucleotide variant.
Coding change: c.2416G>A on transcript NM_000548.5 (MANE Select); coding-DNA position 2416, G replaced by A.
Protein change: p.Val806Met; replaces valine 806 with methionine.
Molecular consequence: missense variant.
Genome position (GRCh38, 1-based): chr16:2,074,260, G>A. VCF-style: chr16-2074260-G-A. GRCh37 (hg19) VCF-style: chr16-2124261-G-A.
Other names: p.V806M:GTG>ATG; c.2416G>A, p.Val806Met (NM_001077183.3, NM_001114382.3, NM_001363528.2 and 3 more transcripts); c.2305G>A, p.Val769Met (NM_001318827.2); c.2269G>A, p.Val757Met (NM_001318829.2); c.1816G>A, p.Val606Met (NM_001318831.2); c.2449G>A, p.Val817Met (NM_001318832.2); c.2416G>A (NM_000548.4); short protein forms V806M, V817M, V769M, V757M, V606M.
Identifiers: ClinVar variation 207671 (VCV000207671.22), dbSNP rs796053473, ClinGen allele CA319361.

ClinVar aggregate classification (germline): Conflicting classifications of pathogenicity. Review status: criteria provided, conflicting classifications (1 of 4 stars). 7 submissions from 7 submitters: Uncertain significance (3); Likely benign (3). 1 of the submissions does not count toward it. Last evaluated 2025-11-14.

Conditions:
Tuberous sclerosis 2 (TSC2). Identifiers: Orphanet 805, MedGen C1860707, MONDO:0013199, OMIM 613254.
TSC2-related disorder. Also called: TSC2-related condition; TSC2-Related Disorders.
Isolated focal cortical dysplasia type II (FCORD2). Also called: CORTICAL DYSPLASIA OF TAYLOR; Focal cortical dysplasia type II. Identifiers: Orphanet 268994, MedGen C1846385, MONDO:0011818, OMIM 607341, HP:0032051.
Hereditary cancer-predisposing syndrome. Also called: Neoplastic Syndromes, Hereditary; Hereditary Cancer Syndrome; Tumor predisposition; Hereditary neoplastic syndrome. Identifiers: Orphanet 140162, MedGen C0027672, MeSH D009386, MONDO:0015356.
Tuberous sclerosis syndrome (TSC). Also called: Tuberous Sclerosis Complex; Tuberous sclerosis. Identifiers: Orphanet 805, MedGen C0041341, MONDO:0001734.

Allele frequency attached by ClinVar (database versions not stated): gnomAD exomes below 0.00001; gnomAD 0.00001; TOPMed 0.00001.

Submissions (7):

Labcorp Genetics (formerly Invitae), Labcorp
Classification: Uncertain significance for Tuberous sclerosis 2. Last evaluated: 2025-11-14. Review status: criteria provided, single submitter. Criteria: Invitae Variant Classification Sherloc (09022015). Collection method: clinical testing. Allele origin: germline.
Comment: This sequence change replaces valine, which is neutral and non-polar, with methionine, which is neutral and non-polar, at codon 806 of the TSC2 protein (p.Val806Met). This variant is not present in population databases (gnomAD no frequency). This variant has not been reported in the literature in individuals affected with TSC2-related conditions. ClinVar contains an entry for this variant (Variation ID: 207671). Invitae Evidence Modeling of protein sequence and biophysical properties (such as structural, functional, and spatial information, amino acid conservation, physicochemical variation, residue mobility, and thermodynamic stability) indicates that this missense variant is not expected to disrupt TSC2 protein function with a negative predictive value of 95%. RNA analysis performed to evaluate the impact of this missense change on mRNA splicing indicates it does not significantly alter splicing (internal data). In summary, the available evidence is currently insufficient to determine the role of this variant in disease. Therefore, it has been classified as a Variant of Uncertain Significance.

Ambry Genetics
Classification: Likely benign for Hereditary cancer-predisposing syndrome. Last evaluated: 2024-06-20. Review status: criteria provided, single submitter. Criteria: Ambry Variant Classification Scheme 2023. Collection method: clinical testing. Allele origin: germline.

Baylor Genetics
Classification: Uncertain significance for Isolated focal cortical dysplasia type II. Last evaluated: 2024-03-06. Review status: criteria provided, single submitter. Criteria: ACMG Guidelines, 2015. Collection method: clinical testing. Allele origin: unknown.

All of Us Research Program, National Institutes of Health
Classification: Uncertain significance for Tuberous sclerosis syndrome. Last evaluated: 2024-01-11. Review status: criteria provided, single submitter. Criteria: ACMG Guidelines, 2015. Collection method: clinical testing. Allele origin: germline. Inheritance: Autosomal dominant inheritance. Observed: 1 variant allele, 1 heterozygote.
Comment: This study involves interpretation of variants in research participants for the purpose of population health screening. Participant phenotype was not available at the time of variant classification. Additional details can be found in publication PMID: 35346344, PMCID: PMC8962531

Genome-Nilou Lab
Classification: Likely benign for Tuberous sclerosis 2. Last evaluated: 2021-11-07. Review status: criteria provided, single submitter. Criteria: ACMG Guidelines, 2015. Collection method: clinical testing. Allele origin: germline. Affected: no.

GeneDx
Classification: Likely benign. Last evaluated: 2018-01-11. Review status: criteria provided, single submitter. Criteria: GeneDx Variant Classification (06012015). Collection method: clinical testing. Allele origin: germline. Affected: yes.
Comment: This variant is considered likely benign or benign based on one or more of the following criteria: it is a conservative change, it occurs at a poorly conserved position in the protein, it is predicted to be benign by multiple in silico algorithms, and/or has population frequency not consistent with disease.

PreventionGenetics, part of Exact Sciences
Classification: Uncertain significance for TSC2-related condition. Last evaluated: 2024-05-02. Review status: no assertion criteria provided. Collection method: clinical testing. Allele origin: germline. Not counted in ClinVar's aggregate classification.
Comment: The TSC2 c.2416G>A variant is predicted to result in the amino acid substitution p.Val806Met. To our knowledge, this variant has not been reported in the literature or in a large population database, indicating this variant is rare. This variant has conflicting interpretations as a variant of uncertain significance and likely benign in ClinVar. At this time, the clinical significance of this variant is uncertain due to the absence of conclusive functional and genetic evidence.